The following is an entry in ClinVar:

NM_000053.4(ATP7B):c.2762G>A (p.Ser921Asn)

Gene: ATP7B (ATPase copper transporting beta; minus strand). Cytogenetic location: 13q14.3.
Variant type: single nucleotide variant.
Coding change: c.2762G>A on transcript NM_000053.4 (MANE Select); coding-DNA position 2762, G replaced by A.
Protein change: p.Ser921Asn; replaces serine 921 with asparagine.
Molecular consequence: missense variant. On other transcripts: intron variant (1).
Genome position (GRCh38, 1-based): chr13:51,949,765, C>T on the plus strand (G>A on the coding strand, the complement: ATP7B is on the minus strand). VCF-style: chr13-51949765-C-T. GRCh37 (hg19) VCF-style: chr13-52523901-C-T.
Other names: p.Ser921Asn; c.2429G>A, p.Ser810Asn (NM_001243182.2); c.2528G>A, p.Ser843Asn (NM_001330578.2); c.2510G>A, p.Ser837Asn (NM_001330579.2); c.2244+242G>A (NM_001005918.3); short protein forms S837N, S843N, S921N, S810N.
Identifiers: ClinVar variation 1386530 (VCV001386530.17), dbSNP rs1230241288, ClinGen allele CA388033824.

ClinVar aggregate classification (germline): Pathogenic/Likely pathogenic. Review status: criteria provided, multiple submitters, no conflicts (2 of 4 stars). 7 submissions from 7 submitters: Pathogenic (3); Likely pathogenic (4). Last evaluated 2025-10-04.

Conditions:
Wilson disease (WND). Also called: Wilson's disease. Identifiers: Orphanet 905, MedGen C0019202, MONDO:0010200, OMIM 277900. Disease mechanism: loss of function.

Allele frequency attached by ClinVar (database versions not stated): gnomAD exomes below 0.00001; gnomAD 0.00001.
gnomAD v4.1: 4 of 1,613,932 alleles (0.00025%); highest among the groups gnomAD compares: Non-Finnish European, 0.00034%; no homozygotes.

Submissions (7):

Labcorp Genetics (formerly Invitae), Labcorp
Classification: Pathogenic for Wilson disease. Last evaluated: 2025-10-04. Review status: criteria provided, single submitter. Criteria: Invitae Variant Classification Sherloc (09022015). Collection method: clinical testing. Allele origin: germline.
Comment: This sequence change replaces serine, which is neutral and polar, with asparagine, which is neutral and polar, at codon 921 of the ATP7B protein (p.Ser921Asn). The frequency data for this variant in the population databases is considered unreliable, as metrics indicate poor data quality at this position in the gnomAD database. This missense change has been observed in individual(s) with Wilson disease (PMID: 9671269, 32043565; internal data). In at least one individual the data is consistent with being in trans (on the opposite chromosome) from a pathogenic variant. ClinVar contains an entry for this variant (Variation ID: 1386530). Invitae Evidence Modeling of protein sequence and biophysical properties (such as structural, functional, and spatial information, amino acid conservation, physicochemical variation, residue mobility, and thermodynamic stability) has been performed for this missense variant. However, the output from this modeling did not meet the statistical confidence thresholds required to predict the impact of this variant on ATP7B protein function. For these reasons, this variant has been classified as Pathogenic.

Natera, Inc.
Classification: Likely pathogenic for Wilson disease. Last evaluated: 2025-05-18. Review status: criteria provided, single submitter. Criteria: Natera Variant Classification Schema (03/2026). Collection method: clinical testing. Allele origin: germline.
Comment: The c.2762G>A variant in ATP7B is a missense variant predicted to cause substitution of serine to asparagine at amino acid 921. This variant is rare in the general population with a frequency below the threshold expected for the associated phenotype(s). This variant has been observed in one or more individuals affected with the associated recessive disease, as either homozygous or compound heterozygous with a second variant (PMID: 30232804, 32043565). A different variant at the same position has been determined to be Pathogenic or Likely Pathogenic. Computational prediction algorithms indicate this variant is likely to affect gene or protein function. Given the available evidence, this variant is classified as Likely Pathogenic.

Color Diagnostics, LLC DBA Color Health
Classification: Likely pathogenic for Wilson disease. Last evaluated: 2024-08-26. Review status: criteria provided, single submitter. Criteria: ACMG Guidelines, 2015. Collection method: clinical testing. Allele origin: germline.
Comment: This missense variant replaces serine with asparagine at codon 921 of the ATP7B protein. Computational prediction is inconclusive regarding the impact of this variant on protein structure and function. This variant alters a conserved serine residue in the transmembrane M3 domain of the ATP7B protein (a.a. 918 - 946), a highly conserved region that is considered to be important for ATP7B protein function (PMID: 35245129; ClinVar). To our knowledge, functional studies have not been reported for this variant. This variant has been observed in individuals affected with autosomal recessive Wilson disease (PMID: 9671269, 15024742, 23982005, 30232804, 32043565, 36096368; ClinVar: SCV002148976.2), including in three individuals in the compound heterozygous state or in unknown phase with a second pathogenic variant in the ATP7B gene (PMID: 30232804, 32043565, 36096368). This variant has not been identified in the general population by the Genome Aggregation Database (gnomAD). A different missense variant occurring at the same codon, p.Ser921Arg, is known to cause disease (ClinVar variation ID: 2137521), indicating that serine at this position is important for ATP7B protein function. Based on the available evidence, this variant is classified as Likely Pathogenic.

Baylor Genetics
Classification: Likely pathogenic for Wilson disease. Last evaluated: 2024-02-06. Review status: criteria provided, single submitter. Criteria: ACMG Guidelines, 2015. Collection method: clinical testing. Allele origin: unknown.

Women's Health and Genetics/Laboratory Corporation of America, LabCorp
Classification: Pathogenic for Wilson disease. Last evaluated: 2022-05-21. Review status: criteria provided, single submitter. Criteria: LabCorp Variant Classification Summary - May 2015. Collection method: clinical testing. Allele origin: germline.
Comment: Variant summary: ATP7B c.2762G>A (p.Ser921Asn) results in a conservative amino acid change in the encoded protein sequence. Four of five in-silico tools predict a damaging effect of the variant on protein function. The variant alters an evolutionarily conserved position (Schushan_2012). The variant was absent in 249026 control chromosomes. c.2762G>A has been reported in the literature in individuals affected with Wilson Disease (example, Loudianos_1998, Ferrenci_2019, Sanchez-Monteagudo_2020, Deguti_2004). These data indicate that the variant is likely to be associated with disease. To our knowledge, no experimental evidence demonstrating an impact on protein function has been reported. One clinical diagnostic laboratory has submitted clinical-significance assessments for this variant to ClinVar after 2014 and classified the variant as pathogenic. Based on the evidence outlined above, the variant was classified as pathogenic.

Mendelics
Classification: Pathogenic for Wilson disease. Last evaluated: 2022-05-04. Review status: criteria provided, single submitter. Criteria: Mendelics Assertion Criteria 2019. Collection method: clinical testing. Allele origin: germline.

Mayo Clinic Laboratories, Mayo Clinic
Classification: Likely pathogenic. Last evaluated: 2022-03-28. Review status: criteria provided, single submitter. Criteria: ACMG Guidelines, 2015. Collection method: clinical testing. Allele origin: germline.
Comment: PP4, PM2, PM3, PS4_moderate

Literature cited by the submitters: PubMed 9671269 (cited by 4 submitters); PubMed 32043565 (cited by 5 submitters); PubMed 30232804 (cited by 3 submitters); PubMed 15024742 (cited by 3 submitters); PubMed 23982005 (cited by Color Diagnostics, LLC DBA Color Health and Mayo Clinic Laboratories, Mayo Clinic); PubMed 35245129 (cited by Color Diagnostics, LLC DBA Color Health); PubMed 36096368 (cited by Color Diagnostics, LLC DBA Color Health and Mayo Clinic Laboratories, Mayo Clinic); PubMed 22692182 (cited by Women's Health and Genetics/Laboratory Corporation of America, LabCorp and Mayo Clinic Laboratories, Mayo Clinic); PubMed 31059521 (cited by Women's Health and Genetics/Laboratory Corporation of America, LabCorp); PubMed 18728530 (cited by Mayo Clinic Laboratories, Mayo Clinic); PubMed 34620762 (cited by Mayo Clinic Laboratories, Mayo Clinic); PubMed 38149214 (cited by Mayo Clinic Laboratories, Mayo Clinic).